The following is an entry in ClinVar:

NM_152564.5(VPS13B):c.6451C>T (p.Pro2151Ser)

Gene: VPS13B (vacuolar protein sorting 13 homolog B; plus strand). Cytogenetic location: 8q22.2.
Variant type: single nucleotide variant.
Coding change: c.6451C>T on transcript NM_152564.5 (MANE Select); coding-DNA position 6451, C replaced by T.
Protein change: p.Pro2151Ser; replaces proline 2151 with serine.
Molecular consequence: missense variant.
Genome position (GRCh38, 1-based): chr8:99,699,929, C>T. VCF-style: chr8-99699929-C-T. GRCh37 (hg19) VCF-style: chr8-100712157-C-T.
Other names: c.6526C>T, p.Pro2176Ser (NM_017890.5); short protein forms P2176S, P2151S.
Identifiers: ClinVar variation 1348543 (VCV001348543.3), dbSNP rs2130181723, ClinGen allele CA371875200.

ClinVar aggregate classification (germline): Uncertain significance (1 of 4 stars; one submission).

Conditions:
Cohen syndrome (COH1). Also called: Cutis verticis gyrata, retinitis pigmentosa, and sensorineural deafness; PEPPER SYNDROME. Identifiers: Orphanet 193, MedGen C0265223, MONDO:0008999, OMIM 216550.

Submission:

Labcorp Genetics (formerly Invitae), Labcorp
Classification: Uncertain significance for Cohen syndrome. Last evaluated: 2021-12-06. Review status: criteria provided, single submitter. Criteria: Invitae Variant Classification Sherloc (09022015). Collection method: clinical testing. Allele origin: germline.
Comment: This sequence change replaces proline, which is neutral and non-polar, with serine, which is neutral and polar, at codon 2176 of the VPS13B protein (p.Pro2176Ser). This variant is not present in population databases (gnomAD no frequency). This variant has not been reported in the literature in individuals affected with VPS13B-related conditions. Algorithms developed to predict the effect of missense changes on protein structure and function are either unavailable or do not agree on the potential impact of this missense change (SIFT: "Not Available"; PolyPhen-2: "Possibly Damaging"; Align-GVGD: "Not Available"). In summary, the available evidence is currently insufficient to determine the role of this variant in disease. Therefore, it has been classified as a Variant of Uncertain Significance.